The following is an entry in ClinVar:

ClinVar aggregate classification (germline): Uncertain significance (1 of 4 stars; one submission).

Submission:

GeneDx
Classification: Uncertain significance. Last evaluated: 2023-01-23. Review status: criteria provided, single submitter. Criteria: GeneDx Variant Classification Process June 2021. Collection method: clinical testing. Allele origin: germline. Affected: yes.
Comment: In-frame deletion of 10 amino acids in a repetitive region with no known function; Not observed at significant frequency in large population cohorts (gnomAD); In silico analysis supports a deleterious effect on protein structure/function; Has not been previously published as pathogenic or benign to our knowledge

NM_003070.5(SMARCA2):c.686_715del (p.Gln229_Gln238del)

Gene: SMARCA2 (SWI/SNF related BAF chromatin remodeling complex subunit ATPase 2; plus strand). Cytogenetic location: 9p24.3.
Variant type: Deletion.
Coding change: c.686_715del on transcript NM_003070.5 (MANE Select); coding-DNA positions 686 to 715, 30 bases deleted (AGCAGCAGCAGCAGCAGCAGCAACAGCAGC).
Protein change: p.Gln229_Gln238del.
Molecular consequence: inframe deletion. On other transcripts: inframe indel (1).
Genome position (GRCh38, 1-based): chr9:2,039,796-2,039,825, AGCAGCAGCAGCAGCAGCAGCAACAGCAGC deleted; deleting any 30 consecutive bases within chr9:2,039,789-2,039,825 gives the same sequence; the c. name uses the placement nearest the transcript's 3' end. VCF-style (leftmost placement, unchanged base first): chr9-2039788-GCAGCAGCAGCAGCAGCAGCAGCAGCAGCAA-G. GRCh37 (hg19) VCF-style: chr9-2039788-GCAGCAGCAGCAGCAGCAGCAGCAGCAGCAA-G.
Other names: c.686_715del30, p.Gln229_Gln238del (NM_001289396.2); c.686_715del, p.Gln229_Gln238del (NM_001289397.2, NM_139045.4).
Identifiers: ClinVar variation 2573865 (VCV002573865.1), dbSNP rs914297593, ClinGen allele CA187894943.